The following is an entry in ClinVar:

NM_173660.5(DOK7):c.55-12_55-11del

Gene: DOK7 (docking protein 7; plus strand). Cytogenetic location: 4p16.3.
Variant type: Deletion.
Coding change: c.55-12_55-11del on transcript NM_173660.5 (MANE Select); 12 bases into the intron before coding-DNA position 55 through 11 bases into the intron before coding-DNA position 55, 2 bases deleted (CT; older notation c.55-12_55-11delCT).
Molecular consequence: intron variant.
Genome position (GRCh38, 1-based): chr4:3,463,494-3,463,495, CT deleted. VCF-style (leftmost placement, unchanged base first): chr4-3463493-CCT-C. GRCh37 (hg19) VCF-style: chr4-3465220-CCT-C.
Other names: c.55-12_55-11del (NM_001301071.2, NM_001363811.2, NM_001164673.2).
Identifiers: ClinVar variation 2076873 (VCV002076873.1), dbSNP rs1560201192, ClinGen allele CA549329611.

ClinVar aggregate classification (germline): Uncertain significance (1 of 4 stars; one submission).

Conditions:
Fetal akinesia deformation sequence 1 (FADS1). Also called: Fetal akinesia sequence; Pena-Shokeir syndrome type I. Identifiers: Orphanet 994, MedGen C1276035, MONDO:0100101, OMIM 208150, HP:0001989.
Congenital myasthenic syndrome 10. Also called: Myasthenia, limb-girdle, familial. Identifiers: Orphanet 590, MedGen C1850792, MONDO:0009690, OMIM 254300.

Allele frequency attached by ClinVar (database versions not stated): gnomAD exomes 0.00001.

Submission:

Labcorp Genetics (formerly Invitae), Labcorp
Classification: Uncertain significance for Congenital myasthenic syndrome 10; Fetal akinesia deformation sequence 1. Last evaluated: 2022-08-01. Review status: criteria provided, single submitter. Criteria: Invitae Variant Classification Sherloc (09022015). Collection method: clinical testing. Allele origin: germline.
Comment: This sequence change falls in intron 1 of the DOK7 gene. It does not directly change the encoded amino acid sequence of the DOK7 protein. This variant is present in population databases (no rsID available, gnomAD 0.002%). This variant has not been reported in the literature in individuals affected with DOK7-related conditions. Algorithms developed to predict the effect of sequence changes on RNA splicing suggest that this variant may disrupt the consensus splice site. In summary, the available evidence is currently insufficient to determine the role of this variant in disease. Therefore, it has been classified as a Variant of Uncertain Significance.